The following is an entry in ClinVar:

ClinVar aggregate classification (germline): Uncertain significance (1 of 4 stars; one submission).

Conditions:
Arrhythmogenic cardiomyopathy with wooly hair and keratoderma. Also called: Carvajal syndrome; PALMOPLANTAR KERATODERMA WITH LEFT VENTRICULAR CARDIOMYOPATHY AND WOOLLY HAIR; Dilated cardiomyopathy with woolly hair and keratoderma; Arrhythmogenic cardiomyopathy with woolly hair and keratoderma. Identifiers: Orphanet 65282, MedGen C1854063, MONDO:0011581, OMIM 605676.
Arrhythmogenic right ventricular dysplasia 8 (ARVD8). Also called: Arrhythmogenic Right Ventricular Dysplasia/Cardiomyopathy 8; ARRHYTHMOGENIC RIGHT VENTRICULAR DYSPLASIA, FAMILIAL, 8; ARRHYTHMOGENIC RIGHT VENTRICULAR CARDIOMYOPATHY 8. Identifiers: MedGen C1843896, MONDO:0011831, OMIM 607450.

Submission:

Labcorp Genetics (formerly Invitae), Labcorp
Classification: Uncertain significance for Arrhythmogenic cardiomyopathy with wooly hair and keratoderma; Arrhythmogenic right ventricular dysplasia 8. Last evaluated: 2025-08-22. Review status: criteria provided, single submitter. Criteria: Invitae Variant Classification Sherloc (09022015). Collection method: clinical testing. Allele origin: germline.
Comment: This sequence change replaces histidine, which is basic and polar, with tyrosine, which is neutral and polar, at codon 2742 of the DSP protein (p.His2742Tyr). This variant is present in population databases (rs750879216, gnomAD 0.0009%). This variant has not been reported in the literature in individuals affected with DSP-related conditions. An algorithm developed to predict the effect of missense changes on protein structure and function (PolyPhen-2) suggests that this variant is likely to be tolerated. In summary, the available evidence is currently insufficient to determine the role of this variant in disease. Therefore, it has been classified as a Variant of Uncertain Significance.

NM_004415.4(DSP):c.8224C>T (p.His2742Tyr)

Gene: DSP (desmoplakin; plus strand). Cytogenetic location: 6p24.3.
Variant type: single nucleotide variant.
Coding change: c.8224C>T on transcript NM_004415.4 (MANE Select); coding-DNA position 8224, C replaced by T.
Protein change: p.His2742Tyr; replaces histidine 2742 with tyrosine.
Molecular consequence: missense variant.
Genome position (GRCh38, 1-based): chr6:7,585,486, C>T. VCF-style: chr6-7585486-C-T. GRCh37 (hg19) VCF-style: chr6-7585719-C-T.
Other names: c.6427C>T, p.His2143Tyr (NM_001008844.3); c.6895C>T, p.His2299Tyr (NM_001319034.2); short protein forms H2742Y, H2143Y, H2299Y.
Identifiers: ClinVar variation 4785933 (VCV004785933.1).
Genomic context (GRCh38, chr6:7,585,486, plus strand): 5'-GCTGGCCAGCGCTTCCTGGAGTTCCAGTACCTCACGGGAGGTCTTGTTGACCCGGAAGTG[C>T]ATGGGAGGATAAGCACCGAAGAAGCCATCCGGAAGGGGTTCATAGATGGCCGCGCCGCAC-3'
Protein context (NP_004406.2, residues 2732-2752): LTGGLVDPEV[His2742Tyr]GRISTEEAIR